The following is an entry in ClinVar:

NM_001378030.1(CCDC78):c.538C>T (p.Gln180Ter)

Gene: CCDC78 (coiled-coil domain containing 78; minus strand). Cytogenetic location: 16p13.3.
Variant type: single nucleotide variant.
Coding change: c.538C>T on transcript NM_001378030.1 (MANE Select); coding-DNA position 538, C replaced by T.
Protein change: p.Gln180Ter; replaces glutamine 180 with a stop codon.
Molecular consequence: nonsense. On other transcripts: missense variant (1), non-coding transcript variant (5).
Genome position (GRCh38, 1-based): chr16:725,100, G>A on the plus strand (C>T on the coding strand, the complement: CCDC78 is on the minus strand). VCF-style: chr16-725100-G-A. GRCh37 (hg19) VCF-style: chr16-775100-G-A.
Other names: c.538C>T, p.Gln180Ter (NM_001031737.3, NM_001378031.1); c.176C>T, p.Ala59Val (NM_001378033.1); short protein forms A59V, Q180*.
Identifiers: ClinVar variation 4697005 (VCV004697005.1).

ClinVar aggregate classification (germline): Uncertain significance (1 of 4 stars; one submission).

Conditions:
Congenital myopathy with internal nuclei and atypical cores. Also called: Myopathy, centronuclear, 4. Identifiers: Orphanet 319160, MedGen C4707232, MONDO:0013890, OMIM 614807.

Submission:

Labcorp Genetics (formerly Invitae), Labcorp
Classification: Uncertain significance for Congenital myopathy with internal nuclei and atypical cores. Last evaluated: 2025-05-13. Review status: criteria provided, single submitter. Criteria: Invitae Variant Classification Sherloc (09022015). Collection method: clinical testing. Allele origin: germline.
Comment: This sequence change creates a premature translational stop signal (p.Gln180*) in the CCDC78 gene. It is expected to result in an absent or disrupted protein product. However, the current clinical and genetic evidence is not sufficient to establish whether loss-of-function variants in CCDC78 cause disease. This variant is present in population databases (rs139410081, gnomAD 0.003%). This variant has not been reported in the literature in individuals affected with CCDC78-related conditions. In summary, the available evidence is currently insufficient to determine the role of this variant in disease. Therefore, it has been classified as a Variant of Uncertain Significance.